The following is an entry in ClinVar:

NM_001382273.1(TNK2):c.2461C>T (p.Arg821Trp)

Gene: TNK2 (tyrosine kinase non receptor 2; minus strand). Cytogenetic location: 3q29.
Variant type: single nucleotide variant.
Coding change: c.2461C>T on transcript NM_001382273.1 (MANE Select); coding-DNA position 2461, C replaced by T.
Protein change: p.Arg821Trp; replaces arginine 821 with tryptophan.
Molecular consequence: missense variant. On other transcripts: non-coding transcript variant (15).
Genome position (GRCh38, 1-based): chr3:195,867,837, G>A on the plus strand (C>T on the coding strand, the complement: TNK2 is on the minus strand). VCF-style: chr3-195867837-G-A. GRCh37 (hg19) VCF-style: chr3-195594708-G-A.
Other names: c.2416C>T, p.Arg806Trp (NM_005781.5, NM_001387712.1, NM_001387713.1 and 8 more transcripts); c.2488C>T, p.Arg830Trp (NM_001387715.1, NM_001387708.1); c.2461C>T, p.Arg821Trp (NM_001387716.1, NM_001387717.1, NM_001387718.1 and 1 more transcripts); c.2650C>T (NM_001010938.1); c.2533C>T, p.Arg845Trp (NM_001010938.2, NM_001382272.1); c.2512C>T, p.Arg838Trp (NM_001308046.2, NM_001382271.1); c.2557C>T, p.Arg853Trp (NM_001382275.1, NM_001387707.1); short protein forms R806W, R821W, R830W, R838W, R845W, R853W.
Identifiers: ClinVar variation 2757504 (VCV002757504.4), dbSNP rs368269910, ClinGen allele CA2775915.
Genomic context (GRCh38, chr3:195,867,837, plus strand): 5'-TGGGGTCTGAGGCAAAGCTCTGGGTGGTGGGCATGGTCTTCCCAGGTGAGCTTGAGAGCC[G>A]GGGTGGCAGCGGGGAGCTGCCAGGTGGTACCAGGGGGCTGGGTGTCCTCGAGCCTTGAGG-3'
Protein context (NP_001369202.1, residues 811-831): VPPGSSPLPP[Arg821Trp]LSSSPGKTMP

ClinVar aggregate classification (germline): Uncertain significance. Review status: criteria provided, multiple submitters, no conflicts (2 of 4 stars). 2 submissions from 2 submitters: Uncertain significance (2). Last evaluated 2025-02-06.

Allele frequency attached by ClinVar (database versions not stated): gnomAD exomes 0.00002; ExAC 0.00003; gnomAD 0.00003; TOPMed 0.00005; ESP Exome Variant Server 0.00008.
gnomAD v4.1: 38 of 1,537,646 alleles (0.0025%); highest among the groups gnomAD compares: Admixed American, 0.0087%; no homozygotes.

Submissions (2):

Ambry Genetics
Classification: Uncertain significance. Last evaluated: 2025-02-06. Review status: criteria provided, single submitter. Criteria: Ambry Variant Classification Scheme 2023. Collection method: clinical testing. Allele origin: germline.

Labcorp Genetics (formerly Invitae), Labcorp
Classification: Uncertain significance. Last evaluated: 2024-05-06. Review status: criteria provided, single submitter. Criteria: Invitae Variant Classification Sherloc (09022015). Collection method: clinical testing. Allele origin: germline.
Comment: This sequence change replaces arginine, which is basic and polar, with tryptophan, which is neutral and slightly polar, at codon 884 of the TNK2 protein (p.Arg884Trp). This variant is present in population databases (rs368269910, gnomAD 0.01%). This variant has not been reported in the literature in individuals affected with TNK2-related conditions. An algorithm developed to predict the effect of missense changes on protein structure and function (PolyPhen-2) suggests that this variant is likely to be disruptive. In summary, the available evidence is currently insufficient to determine the role of this variant in disease. Therefore, it has been classified as a Variant of Uncertain Significance.